The following is an entry in ClinVar:

NM_001358291.2(RMI1):c.917T>C (p.Val306Ala)

Gene: RMI1 (RecQ mediated genome instability 1; plus strand). Cytogenetic location: 9q21.32.
Variant type: single nucleotide variant.
Coding change: c.917T>C on transcript NM_001358291.2 (MANE Select); coding-DNA position 917, T replaced by C.
Protein change: p.Val306Ala; replaces valine 306 with alanine.
Molecular consequence: missense variant.
Genome position (GRCh38, 1-based): chr9:84,001,903, T>C. VCF-style: chr9-84001903-T-C. GRCh37 (hg19) VCF-style: chr9-86616818-T-C.
Other names: c.917T>C, p.Val306Ala (NM_001358292.2, NM_001358293.2, NM_001358294.2 and 1 more transcripts); short protein forms V306A.
Identifiers: ClinVar variation 2683836 (VCV002683836.1), dbSNP rs371202848, ClinGen allele CA5104509.
Genomic context (GRCh38, chr9:84,001,903, plus strand): 5'-AGCCAGAATTTGTTATTTCTCCAAGACCAAAAGAGGAACCATCAAACCTATCTATACATG[T>C]AATGGATGGAGAATTAGATGACTTTTCACTGGAGGAGGCCTTGCTTTTAGAAGAAACTGT-3'
Protein context (NP_001345220.1, residues 296-316): KEEPSNLSIH[Val306Ala]MDGELDDFSL

ClinVar aggregate classification (germline): drug response (0 of 4 stars; one submission).

Conditions:
Olaparib response. Also called: Lynparza response. Identifiers: MedGen CN224080.

Allele frequency attached by ClinVar (database versions not stated): gnomAD exomes 0.00001; TOPMed 0.00002; ExAC 0.00005.
gnomAD v4.1: 16 of 1,614,008 alleles (0.00099%); highest among the groups gnomAD compares: East Asian, 0.036%; no homozygotes.

Submission:

Department of Thoracic Surgery and State Key Laboratory of Genetic Engineering, Fudan University Shanghai Cancer Center
Classification: drug response for Olaparib response. Last evaluated: 2023-11-01. Review status: no assertion criteria provided. Collection method: research. Allele origin: germline. Affected: yes.
Comment: Germline variants of Holliday junction resolvase genes in multiple primary malignancies involving lung cancer lead to Olaparib sensitization.